The following is an entry in ClinVar:

NM_000138.5(FBN1):c.1916G>A (p.Cys639Tyr)

Gene: FBN1 (fibrillin 1; minus strand). Cytogenetic location: 15q21.1.
Variant type: single nucleotide variant.
Coding change: c.1916G>A on transcript NM_000138.5 (MANE Select); coding-DNA position 1916, G replaced by A.
Protein change: p.Cys639Tyr; replaces cysteine 639 with tyrosine.
Molecular consequence: missense variant.
Genome position (GRCh38, 1-based): chr15:48,505,069, C>T on the plus strand (G>A on the coding strand, the complement: FBN1 is on the minus strand). VCF-style: chr15-48505069-C-T. GRCh37 (hg19) VCF-style: chr15-48797266-C-T.
Other names: short protein forms C639Y.
Identifiers: ClinVar variation 237083 (VCV000237083.8), dbSNP rs878853676, ClinGen allele CA10583253.

ClinVar aggregate classification (germline): Pathogenic. Review status: criteria provided, single submitter (1 of 4 stars). 2 submissions from 2 submitters: Pathogenic (1). 1 of the submissions does not count toward it. Last evaluated 2025-08-21.

Conditions:
Marfan syndrome (MFS). Also called: MARFAN SYNDROME, TYPE I; FBN1-Related Marfan Syndrome; Marfan syndrome, classic; Marfan syndrome type 1; Marfan's syndrome. Identifiers: Orphanet 284963, Orphanet 558, MedGen C0024796, MONDO:0007947, OMIM 154700.
Familial thoracic aortic aneurysm and aortic dissection (TAAD). Also called: Thoracic aortic aneurysms and dissections. Identifiers: Orphanet 91387, MedGen C4707243, MONDO:0019625.

Submissions (2):

Labcorp Genetics (formerly Invitae), Labcorp
Classification: Pathogenic for Marfan syndrome; Familial thoracic aortic aneurysm and aortic dissection. Last evaluated: 2025-08-21. Review status: criteria provided, single submitter. Criteria: Invitae Variant Classification Sherloc (09022015). Collection method: clinical testing. Allele origin: germline.
Comment: This sequence change replaces cysteine, which is neutral and slightly polar, with tyrosine, which is neutral and polar, at codon 639 of the FBN1 protein (p.Cys639Tyr). This variant is not present in population databases (gnomAD no frequency). This missense change has been observed in individuals with clinical features of Marfan syndrome (PMID: 12938084, 17627385, 21895641, 25053872, 31527767). It has also been observed to segregate with disease in related individuals. ClinVar contains an entry for this variant (Variation ID: 237083). Invitae Evidence Modeling of protein sequence and biophysical properties (such as structural, functional, and spatial information, amino acid conservation, physicochemical variation, residue mobility, and thermodynamic stability) indicates that this missense variant is expected to disrupt FBN1 protein function with a positive predictive value of 95%. This variant affects a cysteine residue in the EGF-like, TGFBP or hybrid motif domains of FBN1. Cysteine residues are believed to be involved in intramolecular disulfide bridges and have been shown to be important for FBN1 protein structure (PMID: 16905551, 19349279). In addition, missense substitutions affecting cysteine residues within these domains are significantly overrepresented among patients with Marfan syndrome (PMID: 16571647, 17701892). For these reasons, this variant has been classified as Pathogenic.

Center for Medical Genetics Ghent, University of Ghent
Classification: Likely pathogenic for Marfan syndrome. Last evaluated: 2017-11-07. Review status: no assertion criteria provided. Collection method: clinical testing. Allele origin: germline. Affected: yes. Not counted in ClinVar's aggregate classification.

Literature cited by the submitters: PubMed 12938084 (cited by Labcorp Genetics (formerly Invitae), Labcorp); PubMed 17627385 (cited by Labcorp Genetics (formerly Invitae), Labcorp); PubMed 21895641 (cited by Labcorp Genetics (formerly Invitae), Labcorp); PubMed 25053872 (cited by Labcorp Genetics (formerly Invitae), Labcorp); PubMed 31527767 (cited by Labcorp Genetics (formerly Invitae), Labcorp); PubMed 16905551 (cited by Labcorp Genetics (formerly Invitae), Labcorp); PubMed 19349279 (cited by Labcorp Genetics (formerly Invitae), Labcorp); PubMed 16571647 (cited by Labcorp Genetics (formerly Invitae), Labcorp); PubMed 17701892 (cited by Labcorp Genetics (formerly Invitae), Labcorp).